The following is an entry in ClinVar:

ClinVar aggregate classification (germline): Uncertain significance (1 of 4 stars; one submission).

Submission:

Labcorp Genetics (formerly Invitae), Labcorp
Classification: Uncertain significance. Last evaluated: 2025-04-07. Review status: criteria provided, single submitter. Criteria: Invitae Variant Classification Sherloc (09022015). Collection method: clinical testing. Allele origin: germline.
Comment: This sequence change replaces alanine, which is neutral and non-polar, with proline, which is neutral and non-polar, at codon 26 of the SORL1 protein (p.Ala26Pro). This variant is not present in population databases (gnomAD no frequency). This variant has not been reported in the literature in individuals affected with SORL1-related conditions. ClinVar contains an entry for this variant (Variation ID: 2724134). An algorithm developed to predict the effect of missense changes on protein structure and function (PolyPhen-2) suggests that this variant is likely to be tolerated. In summary, the available evidence is currently insufficient to determine the role of this variant in disease. Therefore, it has been classified as a Variant of Uncertain Significance.

NM_003105.6(SORL1):c.76G>C (p.Ala26Pro)

Genes: SORL1 (sortilin related receptor 1; plus strand), SORL1-AS1 (SORL1 antisense RNA 1; minus strand), LOC130006943 (ATAC-STARR-seq lymphoblastoid silent region 4004; plus strand). Cytogenetic location: 11q24.1.
Variant type: single nucleotide variant.
Coding change: c.76G>C on transcript NM_003105.6 (MANE Select); coding-DNA position 76, G replaced by C.
Protein change: p.Ala26Pro; replaces alanine 26 with proline.
Molecular consequence: missense variant.
Genome position (GRCh38, 1-based): chr11:121,452,407, G>C. VCF-style: chr11-121452407-G-C. GRCh37 (hg19) VCF-style: chr11-121323116-G-C.
Other names: short protein forms A26P.
Identifiers: ClinVar variation 2724134 (VCV002724134.3), dbSNP rs751412092, ClinGen allele CA6328276.